The following is an entry in ClinVar:

NM_001852.4(COL9A2):c.1041C>T (p.Gly347=)

Gene: COL9A2 (collagen type IX alpha 2 chain; minus strand). Cytogenetic location: 1p34.2.
Variant type: single nucleotide variant.
Coding change: c.1041C>T on transcript NM_001852.4 (MANE Select); coding-DNA position 1041, C replaced by T.
Protein change: p.Gly347=; no amino-acid change (glycine 347 retained).
Molecular consequence: synonymous variant.
Genome position (GRCh38, 1-based): chr1:40,306,155, G>A on the plus strand (C>T on the coding strand, the complement: COL9A2 is on the minus strand). VCF-style: chr1-40306155-G-A. GRCh37 (hg19) VCF-style: chr1-40771827-G-A.
Identifiers: ClinVar variation 195478 (VCV000195478.48), dbSNP rs138882727, ClinGen allele CA241924.
Genomic context (GRCh38, chr1:40,306,155, plus strand): 5'-CCCCAGACTTCCTTGCTCAATTCTGTCCCCAGCTTGGGATCGCCTCACCTGGTCTCCAGG[G>A]CCTCCTTTTGTCCCAGGCTGGCCTGGCACACCCTGCAGAAAGAAGTTGAAGTCAGTTTCT-3'
Protein context (NP_001843.1, residues 337-357): GVPGQPGTKG[Gly347=]PGDQGEPGPQ

ClinVar aggregate classification (germline): Conflicting classifications of pathogenicity. Review status: criteria provided, conflicting classifications (1 of 4 stars). 9 submissions from 9 submitters: Uncertain significance (1); Benign (1); Likely benign (6). 1 of the submissions does not count toward it. Last evaluated 2026-07-01.

Conditions:
COL9A2-related disorder. Also called: COL9A2-related condition.
Epiphyseal dysplasia, multiple, 2 (EDM2). Also called: COL9A2-Related Multiple Epiphyseal Dysplasia. Identifiers: MedGen C1838429, MONDO:0010844, OMIM 600204.

Allele frequency attached by ClinVar (database versions not stated): 1000 Genomes Project 0.00020; 1000 Genomes Project 30x 0.00031; ESP Exome Variant Server 0.00077; ExAC 0.00086; gnomAD exomes 0.00092 and 0.00135; TOPMed 0.00097; gnomAD 0.00106 and 0.00110.
gnomAD v4.1: 2,120 of 1,614,176 alleles (0.13%); highest among the groups gnomAD compares: Admixed American, 0.17%; 2 homozygotes.

Submissions (9):

CeGaT Center for Human Genetics Tuebingen
Classification: Likely benign. Last evaluated: 2026-07-01. Review status: criteria provided, single submitter. Criteria: CeGaT Center For Human Genetics Tuebingen Variant Classification Criteria Version 2. Collection method: clinical testing. Allele origin: germline. Affected: yes. Observed: 5 variant alleles.
Comment: COL9A2: BP4, BP7

Labcorp Genetics (formerly Invitae), Labcorp
Classification: Likely benign. Last evaluated: 2026-01-25. Review status: criteria provided, single submitter. Criteria: Invitae Variant Classification Sherloc (09022015). Collection method: clinical testing. Allele origin: germline.

Women's Health and Genetics/Laboratory Corporation of America, LabCorp
Classification: Likely benign. Last evaluated: 2025-11-26. Review status: criteria provided, single submitter. Criteria: LabCorp Variant Classification Summary - May 2015. Collection method: clinical testing. Allele origin: germline.

Laboratory of Genetics, Children's Clinical University Hospital Latvia
Classification: Benign. Last evaluated: 2025-02-16. Review status: criteria provided, single submitter. Criteria: ACMG Guidelines, 2015. Collection method: clinical testing. Allele origin: germline. Affected: yes.

Blueprint Genetics
Classification: Likely benign. Last evaluated: 2024-11-25. Review status: criteria provided, single submitter. Criteria: ACMG Guidelines, 2015. Collection method: clinical testing. Allele origin: germline.

GeneDx
Classification: Likely benign. Last evaluated: 2020-12-31. Review status: criteria provided, single submitter. Criteria: GeneDx Variant Classification Process June 2021. Collection method: clinical testing. Allele origin: germline. Affected: yes.

Illumina Laboratory Services, Illumina
Classification: Likely benign for Epiphyseal dysplasia, multiple, 2. Last evaluated: 2018-01-12. Review status: criteria provided, single submitter. Criteria: ICSL Variant Classification Criteria 13 December 2019. Collection method: clinical testing. Allele origin: germline.
Comment: This variant was observed in the ICSL laboratory as part of a predisposition screen in an ostensibly healthy population. It had not been previously curated by ICSL or reported in the Human Gene Mutation Database (HGMD: prior to June 1st, 2018), and was therefore a candidate for classification through an automated scoring system. Utilizing variant allele frequency, disease prevalence and penetrance estimates, and inheritance mode, an automated score was calculated to assess if this variant is too frequent to cause the disease. Based on the score and internal cut-off values, a variant classified as likely benign is not then subjected to further curation. The score for this variant resulted in a classification of likely benign for this disease.

Eurofins Ntd Llc (ga)
Classification: Uncertain significance. Last evaluated: 2014-11-24. Review status: criteria provided, single submitter. Criteria: EGL Classification Definitions 2015. Collection method: clinical testing. Allele origin: germline. Observed: 1 variant allele, 1 heterozygote.

PreventionGenetics, part of Exact Sciences
Classification: Likely benign for COL9A2-related condition. Last evaluated: 2019-11-05. Review status: no assertion criteria provided. Collection method: clinical testing. Allele origin: germline. Not counted in ClinVar's aggregate classification.
Comment: This variant is classified as likely benign based on ACMG/AMP sequence variant interpretation guidelines (Richards et al. 2015 PMID: 25741868, with internal and published modifications).